The following is an entry in ClinVar:

NM_015662.3(IFT172):c.5009A>G (p.Tyr1670Cys)

Genes: IFT172 (intraflagellar transport 172; minus strand), KRTCAP3 (keratinocyte associated protein 3; plus strand). Cytogenetic location: 2p23.3.
Variant type: single nucleotide variant.
Coding change: c.5009A>G on transcript NM_015662.3 (MANE Select); coding-DNA position 5009, A replaced by G.
Protein change: p.Tyr1670Cys; replaces tyrosine 1670 with cysteine.
Molecular consequence: missense variant. On other transcripts: intron variant (1).
Genome position (GRCh38, 1-based): chr2:27,445,355, T>C on the plus strand (A>G on the coding strand, the complement: IFT172 is on the minus strand). VCF-style: chr2-27445355-T-C. GRCh37 (hg19) VCF-style: chr2-27668222-T-C.
Other names: c.4943A>G, p.Tyr1648Cys (NM_001410739.1); c.*6-946T>C (NM_001168364.2); short protein forms Y1648C, Y1670C.
Identifiers: ClinVar variation 3775519 (VCV003775519.1).

ClinVar aggregate classification (germline): Uncertain significance (1 of 4 stars; one submission).

Conditions:
Retinitis pigmentosa 71 (RP71). Identifiers: Orphanet 791, MedGen C4225342, MONDO:0014618, OMIM 616394.

gnomAD v4.1: 4 of 1,613,320 alleles (0.00025%); highest among the groups gnomAD compares: East Asian, 0.0022%; no homozygotes.

Submission:

3billion
Classification: Uncertain significance for Retinitis pigmentosa 71. Last evaluated: 2024-01-03. Review status: criteria provided, single submitter. Criteria: ACMG Guidelines, 2015. Collection method: clinical testing. Allele origin: germline. Affected: yes.
Comment: The variant is observed at an extremely low frequency in the gnomAD v2.1.1 dataset (total allele frequency: <0.001%). Predicted Consequence/Location: The majority of the known disease-causing variants of this gene are variants expected to result in premature termination of the protein. Damaging effect on gene or gene product predicted by in silico programs is uncertain [REVEL: 0.55 (damaging >=0.6, benign <0.4), 3Cnet: 0.17 (damaging >=0.6, benign <0.15), Splice AI: 0.01 (spliceogenicity >=0.2, non-spliceogenicity <0.1)]. Therefore, this variant is classified as VUS according to the recommendation of ACMG/AMP guideline.